The following is an entry in ClinVar:

NM_080476.5(PIGU):c.449C>T (p.Thr150Met)

Gene: PIGU (phosphatidylinositol glycan anchor biosynthesis class U; minus strand). Cytogenetic location: 20q11.22.
Variant type: single nucleotide variant.
Coding change: c.449C>T on transcript NM_080476.5 (MANE Select); coding-DNA position 449, C replaced by T.
Protein change: p.Thr150Met; replaces threonine 150 with methionine.
Molecular consequence: missense variant.
Genome position (GRCh38, 1-based): chr20:34,634,695, G>A on the plus strand (C>T on the coding strand, the complement: PIGU is on the minus strand). VCF-style: chr20-34634695-G-A. GRCh37 (hg19) VCF-style: chr20-33222499-G-A.
Other names: short protein forms T150M.
Identifiers: ClinVar variation 1479715 (VCV001479715.6), dbSNP rs762865841, ClinGen allele CA9822661.
Genomic context (GRCh38, chr20:34,634,695, plus strand): 5'-AAGAAAGCAATGAGGGTGTTGTTGATGGCACAGGTAGACTTGGCAACACAAGACAAAATC[G>A]TGTAAGGATTTAAGAGATAGCTGGGGAAGAACAAACATATTTGGCATTAGTAATCCTGAC-3'
Protein context (NP_536724.1, residues 140-160): VALFYLLNPY[Thr150Met]ILSCVAKSTC

ClinVar aggregate classification (germline): Uncertain significance (1 of 4 stars; one submission).

Allele frequency attached by ClinVar (database versions not stated): gnomAD 0.00001; gnomAD exomes 0.00001; TOPMed 0.00001; ExAC 0.00002.
gnomAD v4.1: 15 of 1,612,330 alleles (0.00093%); highest among the groups gnomAD compares: East Asian, 0.0045%; no homozygotes.

Submission:

Labcorp Genetics (formerly Invitae), Labcorp
Classification: Uncertain significance. Last evaluated: 2022-06-13. Review status: criteria provided, single submitter. Criteria: Invitae Variant Classification Sherloc (09022015). Collection method: clinical testing. Allele origin: germline.
Comment: In summary, the available evidence is currently insufficient to determine the role of this variant in disease. Therefore, it has been classified as a Variant of Uncertain Significance. Algorithms developed to predict the effect of missense changes on protein structure and function (SIFT, PolyPhen-2, Align-GVGD) all suggest that this variant is likely to be disruptive. This variant has not been reported in the literature in individuals affected with PIGU-related conditions. This variant is present in population databases (rs762865841, gnomAD 0.0009%). This sequence change replaces threonine, which is neutral and polar, with methionine, which is neutral and non-polar, at codon 150 of the PIGU protein (p.Thr150Met).